The following is an entry in ClinVar:

NM_001369369.1(FOXN1):c.763C>T (p.Arg255Ter)

Gene: FOXN1 (forkhead box N1; plus strand). Cytogenetic location: 17q11.2.
Variant type: single nucleotide variant.
Coding change: c.763C>T on transcript NM_001369369.1 (MANE Select); coding-DNA position 763, C replaced by T.
Protein change: p.Arg255Ter; replaces arginine 255 with a stop codon.
Molecular consequence: nonsense.
Genome position (GRCh38, 1-based): chr17:28,529,157, C>T. VCF-style: chr17-28529157-C-T. GRCh37 (hg19) VCF-style: chr17-26856175-C-T.
Other names: NM_001369369.1(FOXN1):c.763C>T; p.Arg255Ter; c.763C>T, p.Arg255Ter (NM_003593.3); short protein forms R255*.
Identifiers: ClinVar variation 8757 (VCV000008757.13), dbSNP rs104894562, ClinGen allele CA119892.
Genomic context (GRCh38, chr17:28,529,157, plus strand): 5'-TCGCCAGGTGGTGGCAGCTACCCCATACCCTACCTGGGCTCCTCACACTATCAGTACCAG[C>T]GAATGGCACCCCAGGCCAGCACCGATGGGCACCAGCCTCTCTTCCCAAAACCCATCTATT-3'

ClinVar aggregate classification (germline): Pathogenic. Review status: reviewed by expert panel (3 of 4 stars). 5 submissions from 4 submitters: Pathogenic (1). 4 of the submissions do not count toward it. Last evaluated 2024-07-29.

Conditions:
Severe combined immunodeficiency disease. Also called: Severe combined immunodeficiency; Severe Combined Immune Deficiency. Identifiers: Orphanet 183660, MedGen C0085110, MeSH D016511, MONDO:0015974, HP:0004430. Inheritance: X-Linked or Autosomal recessive.
T-cell lymphopenia, infantile, with or without nail dystrophy, autosomal dominant. Identifiers: Orphanet 676039, MedGen C5394133, MONDO:0032928, OMIM 618806.
T-cell immunodeficiency, congenital alopecia, and nail dystrophy. Also called: Congenital alopecia and nail dystrophy associated with severe functional T-cell immunodeficiency; Pignata Guarino syndrome. Identifiers: Orphanet 169095, MedGen C1866426, MONDO:0011132, OMIM 601705.

Allele frequency attached by ClinVar (database versions not stated): gnomAD exomes below 0.00001; gnomAD 0.00001.
gnomAD v4.1: 3 of 1,614,052 alleles (0.00019%); highest among the groups gnomAD compares: Non-Finnish European, 0.00017%; no homozygotes.

Submissions (5):

ClinGen Severe Combined Immunodeficiency Variant Curation Expert Panel, ClinGen
Classification: Pathogenic for T-cell immunodeficiency, congenital alopecia, and nail dystrophy. Last evaluated: 2024-07-29. Review status: reviewed by expert panel. Criteria: ClinGen SCID ACMG Specifications FOXN1 V1.0.0. Collection method: curation. Allele origin: germline. Inheritance: Semidominant inheritance.
Comment: The NM_001369369.1(FOXN1):c.763C>T (p.Arg255Ter) nonsense variant occurs in exon 5 of 9 and is predicted to result in non-sense mediated decay (PVS1). The highest MAF in gnomAD v2.1.1 is 0.000008790 (1/113762 alleles) in the European (non-Finnish) population. This is below the SCID VCEP specified threshold of <0.00002412 (PM2_supporting). At least one patient (PMID: 10206641) is described with congenital alopecia, nail dystrophy, and very low T cell number which is highly specific to FOXN1 deficiency (PP4). This individual had an affected siblings, also homozygous for the variant, as reported in PMID: 10206641. Additionally PMID: 31447097 reports another 14 heterozygous relatives with nail dystrophy belonging to same extended family (estimated LOD score 4.82; PP1_Strong). At least two additional unrelated patients have been reported, these three unrelated patients are all homozygous (PMIDs: 28636882, 20978268, 10206641; PM3). In summary this variant meets criteria to be classified as pathogenic for semidominant T-cell immunodeficiency, congenital alopecia, and nail dystrophy due to FOXN1 deficiency based on the ACMG/AMP criteria applied: PVS1, PM2_supporting, PP4, PP1_strong, PM3 as specified by the ClinGen SCID VCEP FOXN1 subgroup (specifications v1.0).

Women's Health and Genetics/Laboratory Corporation of America, LabCorp
Classification: Pathogenic for Severe combined immunodeficiency disease. Last evaluated: 2024-10-16. Review status: criteria provided, single submitter. Criteria: LabCorp Variant Classification Summary - May 2015. Collection method: clinical testing. Allele origin: germline. Not counted in ClinVar's aggregate classification.
Comment: Variant summary: FOXN1 c.763C>T (p.Arg255X) results in a premature termination codon, predicted to cause absence of the protein due to nonsense mediated decay, which is a commonly known mechanism for disease. The variant allele was found at a frequency of 4e-06 in 251486 control chromosomes. c.763C>T has been reported in the literature in individuals affected with Severe Combined Immunodeficiency (example, Frank_1999). These data indicate that the variant is likely to be associated with disease. To our knowledge, no experimental evidence demonstrating an impact on protein function has been reported. The following publication has been ascertained in the context of this evaluation (PMID: 10206641). ClinVar contains an entry for this variant (Variation ID: 8757). Based on the evidence outlined above, the variant was classified as pathogenic.

Labcorp Genetics (formerly Invitae), Labcorp
Classification: Pathogenic for T-cell immunodeficiency, congenital alopecia, and nail dystrophy. Last evaluated: 2024-03-28. Review status: criteria provided, single submitter. Criteria: Invitae Variant Classification Sherloc (09022015). Collection method: clinical testing. Allele origin: germline. Not counted in ClinVar's aggregate classification.
Comment: This sequence change creates a premature translational stop signal (p.Arg255*) in the FOXN1 gene. It is expected to result in an absent or disrupted protein product. Loss-of-function variants in FOXN1 are known to be pathogenic (PMID: 10206641, 15180707, 31447097). This variant is present in population databases (rs104894562, gnomAD 0.0009%). This premature translational stop signal has been observed in individual(s) with severe combined immunodeficiency, alopecia, and nail dystrophy (PMID: 10206641, 15180707, 20864124, 20978268, 21507891, 28636882). It is commonly reported in individuals of Italian ancestry (PMID: 15180707). ClinVar contains an entry for this variant (Variation ID: 8757). Algorithms developed to predict the effect of sequence changes on RNA splicing suggest that this variant may disrupt the consensus splice site. For these reasons, this variant has been classified as Pathogenic.

OMIM
Classification: Pathogenic for T-CELL IMMUNODEFICIENCY, CONGENITAL ALOPECIA, AND NAIL DYSTROPHY. Last evaluated: 2011-06-01. Review status: no assertion criteria provided. Collection method: literature only. Allele origin: germline. Not counted in ClinVar's aggregate classification.

OMIM
Classification: Pathogenic for T-CELL LYMPHOPENIA, INFANTILE, WITH OR WITHOUT NAIL DYSTROPHY, AUTOSOMAL DOMINANT. Last evaluated: 2011-06-01. Review status: no assertion criteria provided. Collection method: literature only. Allele origin: germline. Not counted in ClinVar's aggregate classification.

Literature cited by the submitters: PubMed 10206641 (cited by 3 submitters); PubMed 15180707 (cited by Labcorp Genetics (formerly Invitae), Labcorp and OMIM); PubMed 31447097 (cited by Labcorp Genetics (formerly Invitae), Labcorp and OMIM); PubMed 20864124 (cited by Labcorp Genetics (formerly Invitae), Labcorp); PubMed 20978268 (cited by Labcorp Genetics (formerly Invitae), Labcorp and OMIM); PubMed 21507891 (cited by Labcorp Genetics (formerly Invitae), Labcorp and OMIM); PubMed 28636882 (cited by Labcorp Genetics (formerly Invitae), Labcorp and OMIM); PubMed 8911612 (cited by OMIM); PubMed 18339010 (cited by OMIM); PubMed 15897400 (cited by OMIM).